The following is an entry in ClinVar:

ClinVar aggregate classification (germline): Likely pathogenic (1 of 4 stars; one submission).

Submissions (2):

Labcorp Genetics (formerly Invitae), Labcorp
Classification: Likely pathogenic. Last evaluated: 2025-05-19. Review status: criteria provided, single submitter. Criteria: Invitae Variant Classification Sherloc (09022015). Collection method: clinical testing. Allele origin: germline.
Comment: This sequence change affects an acceptor splice site in intron 3 of the RUNX2 gene. It is expected to disrupt RNA splicing. Variants that disrupt the donor or acceptor splice site typically lead to a loss of protein function (PMID: 16199547), and loss-of-function variants in RUNX2 are known to be pathogenic (PMID: 10521292, 11857736). This variant is not present in population databases (gnomAD no frequency). This variant has not been reported in the literature in individuals affected with RUNX2-related conditions. Algorithms developed to predict the effect of sequence changes on RNA splicing suggest that this variant may disrupt the consensus splice site. In summary, the currently available evidence indicates that the variant is pathogenic, but additional data are needed to prove that conclusively. Therefore, this variant has been classified as Likely Pathogenic.

Dr. Peter K. Rogan Lab, Western University
No classification provided (evidence only). Condition: Papillary renal cell carcinoma type 1. Review status: no classification provided. Collection method: in vitro. Allele origin: not applicable. Functional consequence: retained intron. Not counted in ClinVar's aggregate classification.

Literature cited by the submitters: PubMed 16199547 (cited by Labcorp Genetics (formerly Invitae), Labcorp); PubMed 10521292 (cited by Labcorp Genetics (formerly Invitae), Labcorp); PubMed 11857736 (cited by Labcorp Genetics (formerly Invitae), Labcorp).

NM_001024630.4(RUNX2):c.424-1G>T

Gene: RUNX2 (RUNX family transcription factor 2; plus strand). Cytogenetic location: 6p21.1.
Variant type: single nucleotide variant.
Coding change: c.424-1G>T on transcript NM_001024630.4 (MANE Select); the canonical splice acceptor site of the intron before coding-DNA position 424, G replaced by T.
Molecular consequence: splice acceptor variant.
Genome position (GRCh38, 1-based): chr6:45,431,862, G>T. VCF-style: chr6-45431862-G-T. GRCh37 (hg19) VCF-style: chr6-45399599-G-T.
Other names: NC_000006.11:g.45399599G>T; c.424-1G>T (NM_001015051.4); c.382-1G>T (NM_001369405.1, NM_001278478.2).
Identifiers: ClinVar variation 4329044 (VCV004329044.2).
Genomic context (GRCh38, chr6:45,431,862, plus strand): 5'-ATTCTGTTTGTAAGCCTTTCTGATGTGCCATTATTGCTGCTGTGTTTCCTGTTTTATGTA[G>T]GTGGTAGCCCTCGGAGAGGTACCAGATGGGACTGTGGTTACTGTCATGGCGGGTAACGAT-3'